The following is an entry in ClinVar:

NM_015570.4(AUTS2):c.1760T>C (p.Val587Ala)

Gene: AUTS2 (activator of transcription and developmental regulator AUTS2; plus strand). Cytogenetic location: 7q11.22.
Variant type: single nucleotide variant.
Coding change: c.1760T>C on transcript NM_015570.4 (MANE Select); coding-DNA position 1760, T replaced by C.
Protein change: p.Val587Ala; replaces valine 587 with alanine.
Molecular consequence: missense variant.
Genome position (GRCh38, 1-based): chr7:70,771,574, T>C. VCF-style: chr7-70771574-T-C. GRCh37 (hg19) VCF-style: chr7-70236560-T-C.
Other names: c.1760T>C, p.Val587Ala (NM_001127231.3); short protein forms V587A.
Identifiers: ClinVar variation 4698668 (VCV004698668.1).
Genomic context (GRCh38, chr7:70,771,574, plus strand): 5'-AAATCTTTTTTCCCCCTCTCCGTCTTTGGCCACAGCTCTTCCATTCCTATCCTCCTGCAG[T>C]GTCGGGCATCCCCCCTATGATCCCACCCACTGGCCCTTTTGGTTCACTACAAGGAGCATT-3'
Protein context (NP_056385.1, residues 577-597): HSLFHSYPPA[Val587Ala]SGIPPMIPPT

ClinVar aggregate classification (germline): Uncertain significance (1 of 4 stars; one submission).

Submission:

Labcorp Genetics (formerly Invitae), Labcorp
Classification: Uncertain significance. Last evaluated: 2025-11-24. Review status: criteria provided, single submitter. Criteria: Invitae Variant Classification Sherloc (09022015). Collection method: clinical testing. Allele origin: germline.
Comment: This sequence change replaces valine, which is neutral and non-polar, with alanine, which is neutral and non-polar, at codon 587 of the AUTS2 protein (p.Val587Ala). This variant is not present in population databases (gnomAD no frequency). This variant has not been reported in the literature in individuals affected with AUTS2-related conditions. Invitae Evidence Modeling of protein sequence and biophysical properties (such as structural, functional, and spatial information, amino acid conservation, physicochemical variation, residue mobility, and thermodynamic stability) indicates that this missense variant is not expected to disrupt AUTS2 protein function with a negative predictive value of 80%. In summary, the available evidence is currently insufficient to determine the role of this variant in disease. Therefore, it has been classified as a Variant of Uncertain Significance.